The following is an entry in ClinVar:

NM_001126121.2(SLC25A19):c.591C>G (p.Ser197Arg)

Gene: SLC25A19 (solute carrier family 25 member 19; minus strand). Cytogenetic location: 17q25.1.
Variant type: single nucleotide variant.
Coding change: c.591C>G on transcript NM_001126121.2 (MANE Select); coding-DNA position 591, C replaced by G.
Protein change: p.Ser197Arg; replaces serine 197 with arginine.
Molecular consequence: missense variant.
Genome position (GRCh38, 1-based): chr17:75,278,204, G>C on the plus strand (C>G on the coding strand, the complement: SLC25A19 is on the minus strand). VCF-style: chr17-75278204-G-C. GRCh37 (hg19) VCF-style: chr17-73274285-G-C.
Other names: c.591C>G, p.Ser197Arg (NM_001126122.2, NM_021734.5); short protein forms S197R.
Identifiers: ClinVar variation 212196 (VCV000212196.13), dbSNP rs565794451, ClinGen allele CA205485.

ClinVar aggregate classification (germline): Uncertain significance. Review status: criteria provided, multiple submitters, no conflicts (2 of 4 stars). 3 submissions from 3 submitters: Uncertain significance (3). Last evaluated 2025-04-13.

Conditions:
Inborn genetic diseases. Identifiers: MedGen C0950123, MeSH D030342.

Allele frequency attached by ClinVar (database versions not stated): gnomAD exomes 0.00001; ExAC 0.00002; gnomAD 0.00008 and 0.00009; TOPMed 0.00011; 1000 Genomes Project 30x 0.00016; 1000 Genomes Project 0.00020.
gnomAD v4.1: 26 of 1,614,036 alleles (0.0016%); highest among the groups gnomAD compares: African/African-American, 0.031%; no homozygotes.

Submissions (4):

Ambry Genetics
Classification: Uncertain significance for Inborn genetic diseases. Last evaluated: 2025-04-13. Review status: criteria provided, single submitter. Criteria: Ambry Variant Classification Scheme 2023. Collection method: clinical testing. Allele origin: germline.

Labcorp Genetics (formerly Invitae), Labcorp
Classification: Uncertain significance. Last evaluated: 2022-03-03. Review status: criteria provided, single submitter. Criteria: Invitae Variant Classification Sherloc (09022015). Collection method: clinical testing. Allele origin: germline.
Comment: In summary, the available evidence is currently insufficient to determine the role of this variant in disease. Therefore, it has been classified as a Variant of Uncertain Significance. Algorithms developed to predict the effect of sequence changes on RNA splicing suggest that this variant may create or strengthen a splice site. Algorithms developed to predict the effect of missense changes on protein structure and function output the following: SIFT: "Tolerated"; PolyPhen-2: "Benign"; Align-GVGD: "Class C0". The arginine amino acid residue is found in multiple mammalian species, which suggests that this missense change does not adversely affect protein function. ClinVar contains an entry for this variant (Variation ID: 212196). This variant has not been reported in the literature in individuals affected with SLC25A19-related conditions. This variant is present in population databases (rs565794451, gnomAD 0.02%). This sequence change replaces serine, which is neutral and polar, with arginine, which is basic and polar, at codon 197 of the SLC25A19 protein (p.Ser197Arg).

Genetic Services Laboratory, University of Chicago
Classification: Uncertain significance. Last evaluated: 2014-12-11. Review status: criteria provided, single submitter. Criteria: ACMG Guidelines, 2015. Collection method: clinical testing. Allele origin: germline.

Dr. Peter K. Rogan Lab, Western University
No classification provided (evidence only). Condition: Malignant tumor of urinary bladder. Review status: no classification provided. Collection method: in vitro. Allele origin: not applicable. Functional consequence: skipped exon, retained intron. Not counted in ClinVar's aggregate classification.